The following is an entry in ClinVar:

ClinVar aggregate classification (germline): Pathogenic. Review status: criteria provided, single submitter (1 of 4 stars). 3 submissions from 3 submitters: Pathogenic (1). 2 of the submissions do not count toward it. Last evaluated 2022-08-16.

Conditions:
Granulomatous disease, chronic, X-linked. Also called: CYTOCHROME b-NEGATIVE GRANULOMATOUS DISEASE, CHRONIC, X-LINKED; GRANULOMATOUS DISEASE, CHRONIC, X-LINKED, SOMATIC MOSAIC. Identifiers: Orphanet 379, MedGen C1844376, MONDO:0010600, OMIM 306400.

Submissions (3):

Labcorp Genetics (formerly Invitae), Labcorp
Classification: Pathogenic for Granulomatous disease, chronic, X-linked. Last evaluated: 2022-08-16. Review status: criteria provided, single submitter. Criteria: Invitae Variant Classification Sherloc (09022015). Collection method: clinical testing. Allele origin: germline.
Comment: This sequence change replaces proline, which is neutral and non-polar, with leucine, which is neutral and non-polar, at codon 415 of the CYBB protein (p.Pro415Leu). This variant is not present in population databases (gnomAD no frequency). This missense change has been observed in individuals with chronic granulomatous disease (CGD) (PMID: 9585602, 22562447). This variant is also known as NOX2 gene, c.1256C>T. ClinVar contains an entry for this variant (Variation ID: 68378). Advanced modeling of protein sequence and biophysical properties (such as structural, functional, and spatial information, amino acid conservation, physicochemical variation, residue mobility, and thermodynamic stability) performed at Invitae indicates that this missense variant is expected to disrupt CYBB protein function. Experimental studies have shown that this missense change affects CYBB function (PMID: 20724480). This variant disrupts the p.Pro415 amino acid residue in CYBB. Other variant(s) that disrupt this residue have been determined to be pathogenic (PMID: 2556453, 11162142, 20724480; Invitae). This suggests that this residue is clinically significant, and that variants that disrupt this residue are likely to be disease-causing. For these reasons, this variant has been classified as Pathogenic.

National Institute of Immunohaematology, Indian Council of Medical Research
Classification: Pathogenic for Granulomatous disease, chronic, X-linked. Review status: no assertion criteria provided. Collection method: curation. Allele origin: germline. Inheritance: X-linked recessive inheritance. Affected: yes. Observed: 1 hemizygote. Not counted in ClinVar's aggregate classification.
Comment: A hemizygous missense variant in exon 10 was identified in CYBB gene. The observed varaint has been previously reported in patients affected with X-linked CGD and experiemntal studies have shown that this missense change affects CYBB function

UniProtKB/Swiss-Prot
No classification provided. Review status: no classification provided. Collection method: not provided. Allele origin: not provided. Not counted in ClinVar's aggregate classification.

Literature cited by the submitters: PubMed 9585602 (cited by Labcorp Genetics (formerly Invitae), Labcorp); PubMed 22562447 (cited by Labcorp Genetics (formerly Invitae), Labcorp and National Institute of Immunohaematology, Indian Council of Medical Research); PubMed 20724480 (cited by Labcorp Genetics (formerly Invitae), Labcorp); PubMed 2556453 (cited by Labcorp Genetics (formerly Invitae), Labcorp); PubMed 11162142 (cited by Labcorp Genetics (formerly Invitae), Labcorp).

NM_000397.4(CYBB):c.1244C>T (p.Pro415Leu)

Gene: CYBB (cytochrome b-245 beta chain; plus strand). Cytogenetic location: Xp11.4.
Variant type: single nucleotide variant.
Coding change: c.1244C>T on transcript NM_000397.4 (MANE Select); coding-DNA position 1244, C replaced by T.
Protein change: p.Pro415Leu; replaces proline 415 with leucine.
Molecular consequence: missense variant.
Genome position (GRCh38, 1-based): chrX:37,805,098, C>T. VCF-style: chrX-37805098-C-T. GRCh37 (hg19) VCF-style: chrX-37664351-C-T.
Other names: short protein forms P415L.
Identifiers: ClinVar variation 68378 (VCV000068378.7), dbSNP rs137854585, ClinGen allele CA219687.